The following is an entry in ClinVar:

ClinVar aggregate classification (germline): Uncertain significance (1 of 4 stars; one submission).

Submission:

Labcorp Genetics (formerly Invitae), Labcorp
Classification: Uncertain significance. Last evaluated: 2025-05-19. Review status: criteria provided, single submitter. Criteria: Invitae Variant Classification Sherloc (09022015). Collection method: clinical testing. Allele origin: germline.
Comment: This sequence change replaces glycine, which is neutral and non-polar, with tryptophan, which is neutral and slightly polar, at codon 256 of the COL9A3 protein (p.Gly256Trp). This variant is not present in population databases (gnomAD no frequency). This variant has not been reported in the literature in individuals affected with COL9A3-related conditions. Invitae Evidence Modeling of protein sequence and biophysical properties (such as structural, functional, and spatial information, amino acid conservation, physicochemical variation, residue mobility, and thermodynamic stability) indicates that this missense variant is expected to disrupt COL9A3 protein function with a positive predictive value of 95%. In summary, the available evidence is currently insufficient to determine the role of this variant in disease. Therefore, it has been classified as a Variant of Uncertain Significance.

NM_001853.4(COL9A3):c.766G>T (p.Gly256Trp)

Gene: COL9A3 (collagen type IX alpha 3 chain; plus strand). Cytogenetic location: 20q13.33.
Variant type: single nucleotide variant.
Coding change: c.766G>T on transcript NM_001853.4 (MANE Select); coding-DNA position 766, G replaced by T.
Protein change: p.Gly256Trp; replaces glycine 256 with tryptophan.
Molecular consequence: missense variant.
Genome position (GRCh38, 1-based): chr20:62,826,794, G>T. VCF-style: chr20-62826794-G-T. GRCh37 (hg19) VCF-style: chr20-61458146-G-T.
Other names: short protein forms G256W.
Identifiers: ClinVar variation 4803134 (VCV004803134.1).